The following is an entry in ClinVar:

NM_000219.6(KCNE1):c.168C>A (p.Phe56Leu)

Gene: KCNE1 (potassium voltage-gated channel subfamily E regulatory subunit 1; minus strand). Cytogenetic location: 21q22.12.
Variant type: single nucleotide variant.
Coding change: c.168C>A on transcript NM_000219.6 (MANE Select); coding-DNA position 168, C replaced by A.
Protein change: p.Phe56Leu; replaces phenylalanine 56 with leucine.
Molecular consequence: missense variant.
Genome position (GRCh38, 1-based): chr21:34,449,467, G>T on the plus strand (C>A on the coding strand, the complement: KCNE1 is on the minus strand). VCF-style: chr21-34449467-G-T. GRCh37 (hg19) VCF-style: chr21-35821765-G-T.
Other names: c.168C>A, p.Phe56Leu (NM_001127668.4, NM_001127669.4, NM_001127670.4 and 4 more transcripts); short protein forms F56L.
Identifiers: ClinVar variation 3374227 (VCV003374227.2).

Conditions:
Long QT syndrome 5 (LQT5). Identifiers: Orphanet 101016, Orphanet 768, MedGen C1867904, MONDO:0013372, OMIM 613695.

Submission:

Roden Lab, Vanderbilt University Medical Center
No classification provided (evidence only). Condition: Long QT syndrome 5. Review status: no classification provided. Collection method: in vitro. Allele origin: not applicable. Functional consequence: Effect on ion channel function.
ClinVar note: "not provided" was previously submitted as the classification for the variant. However, the classification appeared to be based only on an observation of functional data so it was converted to no classification on 2025-07-30.